The following is an entry in ClinVar:

NM_001378120.1(MBD5):c.4265G>A (p.Ser1422Asn)

Gene: MBD5 (methyl-CpG binding domain protein 5; plus strand). Cytogenetic location: 2q23.1.
Variant type: single nucleotide variant.
Coding change: c.4265G>A on transcript NM_001378120.1 (MANE Select); coding-DNA position 4265, G replaced by A.
Protein change: p.Ser1422Asn; replaces serine 1422 with asparagine.
Molecular consequence: missense variant.
Genome position (GRCh38, 1-based): chr2:148,489,897, G>A. VCF-style: chr2-148489897-G-A. GRCh37 (hg19) VCF-style: chr2-149247466-G-A.
Other names: c.3566G>A, p.Ser1189Asn (NM_018328.5); short protein forms S1189N, S1422N.
Identifiers: ClinVar variation 2912805 (VCV002912805.3), dbSNP rs2105127970, ClinGen allele CA348728372.

ClinVar aggregate classification (germline): Uncertain significance (1 of 4 stars; one submission).

Conditions:
Intellectual developmental disorder, autosomal dominant 1. Also called: MBD5 Haploinsufficiency; Intellectual disability, autosomal dominant 1. Identifiers: Orphanet 228402, MedGen C1969562, MONDO:0007974, OMIM 156200.

Allele frequency attached by ClinVar (database versions not stated): gnomAD exomes below 0.00001.
gnomAD v4.1: 2 of 1,614,132 alleles (0.00012%); highest among the groups gnomAD compares: East Asian, 0.0045%; no homozygotes.

Submission:

Labcorp Genetics (formerly Invitae), Labcorp
Classification: Uncertain significance for Intellectual developmental disorder, autosomal dominant 1. Last evaluated: 2023-12-23. Review status: criteria provided, single submitter. Criteria: Invitae Variant Classification Sherloc (09022015). Collection method: clinical testing. Allele origin: germline.
Comment: This sequence change replaces serine, which is neutral and polar, with asparagine, which is neutral and polar, at codon 1189 of the MBD5 protein (p.Ser1189Asn). This variant is not present in population databases (gnomAD no frequency). This variant has not been reported in the literature in individuals affected with MBD5-related conditions. Experimental studies and prediction algorithms are not available or were not evaluated, and the functional significance of this variant is currently unknown. In summary, the available evidence is currently insufficient to determine the role of this variant in disease. Therefore, it has been classified as a Variant of Uncertain Significance.